The following is an entry in ClinVar:

ClinVar aggregate classification (germline): Uncertain significance (1 of 4 stars; one submission).

gnomAD v4.1: 3 of 1,610,606 alleles (0.00019%); highest among the groups gnomAD compares: South Asian, 0.0011%; no homozygotes.

Submission:

GeneDx
Classification: Uncertain significance. Last evaluated: 2023-06-21. Review status: criteria provided, single submitter. Criteria: GeneDx Variant Classification Process June 2021. Collection method: clinical testing. Allele origin: germline. Affected: yes.
Comment: Not observed at significant frequency in large population cohorts (gnomAD); In silico analysis supports that this missense variant has a deleterious effect on protein structure/function; Has not been previously published as pathogenic or benign to our knowledge

NM_001377.3(DYNC2H1):c.7417A>G (p.Met2473Val)

Gene: DYNC2H1 (dynein cytoplasmic 2 heavy chain 1; plus strand). Cytogenetic location: 11q22.3.
Variant type: single nucleotide variant.
Coding change: c.7417A>G on transcript NM_001377.3 (MANE Select); coding-DNA position 7417, A replaced by G.
Protein change: p.Met2473Val; replaces methionine 2473 with valine.
Molecular consequence: missense variant.
Genome position (GRCh38, 1-based): chr11:103,189,796, A>G. VCF-style: chr11-103189796-A-G. GRCh37 (hg19) VCF-style: chr11-103060525-A-G.
Other names: c.7417A>G, p.Met2473Val (NM_001080463.2); short protein forms M2473V.
Identifiers: ClinVar variation 3359956 (VCV003359956.1).